The following is an entry in ClinVar:

NM_015910.7(WDPCP):c.1799G>C (p.Arg600Pro)

Gene: WDPCP (WD repeat containing planar cell polarity effector; minus strand). Cytogenetic location: 2p15.
Variant type: single nucleotide variant.
Coding change: c.1799G>C on transcript NM_015910.7 (MANE Select); coding-DNA position 1799, G replaced by C.
Protein change: p.Arg600Pro; replaces arginine 600 with proline.
Molecular consequence: missense variant. On other transcripts: non-coding transcript variant (3).
Genome position (GRCh38, 1-based): chr2:63,313,261, C>G on the plus strand (G>C on the coding strand, the complement: WDPCP is on the minus strand). VCF-style: chr2-63313261-C-G. GRCh37 (hg19) VCF-style: chr2-63540396-C-G.
Other names: c.1322G>C, p.Arg441Pro (NM_001042692.3); c.1727G>C, p.Arg576Pro (NM_001354044.2); short protein forms R600P, R441P, R576P.
Identifiers: ClinVar variation 2096082 (VCV002096082.4), dbSNP rs375036014, ClinGen allele CA347063939.
Genomic context (GRCh38, chr2:63,313,261, plus strand): 5'-TTAGCCTTAGAACTGAAGGCACAAAATCATCTCTGAAAATGACTCACCATAAAGAGGTCA[C>G]GAGCACCAACGTCAACAGCTAGGAGAAATGCCTTTTCAAACCTCTGGTACCTACAAGGCA-3'
Protein context (NP_056994.3, residues 590-610): AFLLAVDVGA[Arg600Pro]DLFMDIHYLA

ClinVar aggregate classification (germline): Uncertain significance (1 of 4 stars; one submission).

Conditions:
Bardet-Biedl syndrome (BBS). Identifiers: Orphanet 110, MedGen C0752166, MONDO:0015229.

gnomAD v4.1: 1 of 1,613,538 alleles (0.000062%); highest among the groups gnomAD compares: African/African-American, 0.0013%; no homozygotes.

Submission:

Labcorp Genetics (formerly Invitae), Labcorp
Classification: Uncertain significance for Bardet-Biedl syndrome. Last evaluated: 2025-06-12. Review status: criteria provided, single submitter. Criteria: Invitae Variant Classification Sherloc (09022015). Collection method: clinical testing. Allele origin: germline.
Comment: This sequence change replaces arginine, which is basic and polar, with proline, which is neutral and non-polar, at codon 600 of the WDPCP protein (p.Arg600Pro). This variant is present in population databases (no rsID available, gnomAD 0.007%). This variant has not been reported in the literature in individuals affected with WDPCP-related conditions. ClinVar contains an entry for this variant (Variation ID: 2096082). Invitae Evidence Modeling of protein sequence and biophysical properties (such as structural, functional, and spatial information, amino acid conservation, physicochemical variation, residue mobility, and thermodynamic stability) indicates that this missense variant is not expected to disrupt WDPCP protein function with a negative predictive value of 80%. In summary, the available evidence is currently insufficient to determine the role of this variant in disease. Therefore, it has been classified as a Variant of Uncertain Significance.